The following is an entry in ClinVar:

ClinVar aggregate classification (germline): Pathogenic (1 of 4 stars; one submission).

Submission:

Labcorp Genetics (formerly Invitae), Labcorp
Classification: Pathogenic. Last evaluated: 2025-10-20. Review status: criteria provided, single submitter. Criteria: Invitae Variant Classification Sherloc (09022015). Collection method: clinical testing. Allele origin: germline.
Comment: This sequence change creates a premature translational stop signal (p.Pro123Leufs*60) in the COL9A2 gene. It is expected to result in an absent or disrupted protein product. Loss-of-function variants in COL9A2 are known to be pathogenic (PMID: 21671392, 33356723). This variant is not present in population databases (gnomAD no frequency). This variant has not been reported in the literature in individuals affected with COL9A2-related conditions. ClinVar contains an entry for this variant (Variation ID: 2023401). For these reasons, this variant has been classified as Pathogenic.

Literature cited by the submitters: PubMed 21671392; PubMed 33356723.

NM_001852.4(COL9A2):c.368del (p.Pro123fs)

Gene: COL9A2 (collagen type IX alpha 2 chain; minus strand). Cytogenetic location: 1p34.2.
Variant type: Deletion.
Coding change: c.368del on transcript NM_001852.4 (MANE Select); coding-DNA position 368, one base deleted (C; older notation c.368delC).
Protein change: p.Pro123fs; shifts the reading frame from proline 123.
Molecular consequence: frameshift variant.
Genome position (GRCh38, 1-based): chr1:40,312,108, G deleted on the plus strand (C on the coding strand, the reverse complement: COL9A2 is on the minus strand); the first of 2 consecutive G bases (chr1:40,312,108-40,312,109); deleting either gives the same sequence. VCF-style (leftmost placement, unchanged base first): chr1-40312107-AG-A. GRCh37 (hg19) VCF-style: chr1-40777779-AG-A.
Other names: short protein forms P123fs.
Identifiers: ClinVar variation 2023401 (VCV002023401.4), dbSNP rs2522557278, ClinGen allele CA2580062741.